The following is an entry in ClinVar:

ClinVar aggregate classification (germline): Benign/Likely benign. Review status: criteria provided, multiple submitters, no conflicts (2 of 4 stars). 7 submissions from 7 submitters: Benign (4); Likely benign (2). 1 of the submissions does not count toward it. Last evaluated 2026-02-01.

Conditions:
Hajdu-Cheney syndrome (HJCYS). Also called: SERPENTINE FIBULA-POLYCYSTIC KIDNEY SYNDROME; ACROOSTEOLYSIS WITH OSTEOPOROSIS AND CHANGES IN SKULL AND MANDIBLE; Acroosteolysis dominant type. Identifiers: Orphanet 955, MedGen C0917715, MONDO:0007057, OMIM 102500.

Allele frequency attached by ClinVar (database versions not stated): ESP Exome Variant Server 0.00023; gnomAD 0.00047 and 0.00060; TOPMed 0.00051; gnomAD exomes 0.00072 and 0.00139; ExAC 0.00120; 1000 Genomes Project 30x 0.00125; 1000 Genomes Project 0.00160.
gnomAD v4.1: 1,199 of 1,614,102 alleles (0.074%); highest among the groups gnomAD compares: South Asian, 0.51%; 11 homozygotes.

Submissions (7):

Labcorp Genetics (formerly Invitae), Labcorp
Classification: Benign for Hajdu-Cheney syndrome. Last evaluated: 2026-02-01. Review status: criteria provided, single submitter. Criteria: Invitae Variant Classification Sherloc (09022015). Collection method: clinical testing. Allele origin: germline.

CeGaT Center for Human Genetics Tuebingen
Classification: Benign. Last evaluated: 2025-11-01. Review status: criteria provided, single submitter. Criteria: CeGaT Center For Human Genetics Tuebingen Variant Classification Criteria Version 2. Collection method: clinical testing. Allele origin: germline. Affected: yes. Observed: 7 variant alleles.
Comment: NOTCH2: BS1, BS2

Mayo Clinic Laboratories, Mayo Clinic
Classification: Likely benign. Last evaluated: 2025-02-25. Review status: criteria provided, single submitter. Criteria: ACMG Guidelines, 2015. Collection method: clinical testing. Allele origin: germline. Observed: 1 variant allele.
Comment: BA1, BS2

Blueprint Genetics
Classification: Likely benign. Last evaluated: 2024-11-11. Review status: criteria provided, single submitter. Criteria: ACMG Guidelines, 2015. Collection method: clinical testing. Allele origin: germline.

GeneDx
Classification: Benign. Last evaluated: 2020-07-10. Review status: criteria provided, single submitter. Criteria: GeneDx Variant Classification Process June 2021. Collection method: clinical testing. Allele origin: germline. Affected: yes.

Breakthrough Genomics
Classification: Benign. Review status: criteria provided, single submitter. Criteria: ACMG Guidelines, 2015. Collection method: not provided. Allele origin: germline. Inheritance: Autosomal dominant inheritance. Affected: yes.

ITMI
No classification provided. Condition: AllHighlyPenetrant. Last evaluated: 2013-09-19. Review status: no classification provided. Collection method: reference population. Allele origin: germline. Not counted in ClinVar's aggregate classification.
Comment: Please see associated publication for description of ethnicities

Literature cited by the submitters: PubMed 24728327 (cited by ITMI).

NM_024408.4(NOTCH2):c.1396C>A (p.Gln466Lys)

Gene: NOTCH2 (notch receptor 2; minus strand). Cytogenetic location: 1p12.
Variant type: single nucleotide variant.
Coding change: c.1396C>A on transcript NM_024408.4 (MANE Select); coding-DNA position 1396, C replaced by A.
Protein change: p.Gln466Lys; replaces glutamine 466 with lysine.
Molecular consequence: missense variant.
Genome position (GRCh38, 1-based): chr1:119,967,490, G>T on the plus strand (C>A on the coding strand, the complement: NOTCH2 is on the minus strand). VCF-style: chr1-119967490-G-T. GRCh37 (hg19) VCF-style: chr1-120510113-G-T.
Other names: p.Gln466Lys; c.1396C>A, p.Gln466Lys (NM_001200001.2); short protein forms Q466K.
Identifiers: ClinVar variation 134968 (VCV000134968.37), dbSNP rs141935585, ClinGen allele CA161263.